The following is an entry in ClinVar:

NM_181507.2(HPS5):c.1232A>G (p.Asn411Ser)

Gene: HPS5 (HPS5 biogenesis of lysosomal organelles complex 2 subunit 2; minus strand). Cytogenetic location: 11p15.1.
Variant type: single nucleotide variant.
Coding change: c.1232A>G on transcript NM_181507.2 (MANE Select); coding-DNA position 1232, A replaced by G.
Protein change: p.Asn411Ser; replaces asparagine 411 with serine.
Molecular consequence: missense variant.
Genome position (GRCh38, 1-based): chr11:18,297,650, T>C on the plus strand (A>G on the coding strand, the complement: HPS5 is on the minus strand). VCF-style: chr11-18297650-T-C. GRCh37 (hg19) VCF-style: chr11-18319197-T-C.
Other names: c.890A>G, p.Asn297Ser (NM_007216.4, NM_181508.2); short protein forms N411S, N297S.
Identifiers: ClinVar variation 1897882 (VCV001897882.2), dbSNP rs1012760914, ClinGen allele CA218542829.
Genomic context (GRCh38, chr11:18,297,650, plus strand): 5'-CAAGCTGAATCCAAAGGTTCAAATTTTAAGATCAATTCTTCCAGTTGAGAAATTAGATCA[T>C]TGTAGGTGCCATGGTCCAGCTGAGATTTCAAATGCTCCAATTTATCTGCAGTCAAAGTTT-3'
Protein context (NP_852608.1, residues 401-421): LKSQLDHGTY[Asn411Ser]DLISQLEELI

ClinVar aggregate classification (germline): Uncertain significance (1 of 4 stars; one submission).

Allele frequency attached by ClinVar (database versions not stated): gnomAD exomes 0.00001; TOPMed 0.00002.
gnomAD v4.1: 12 of 1,613,870 alleles (0.00074%); highest among the groups gnomAD compares: African/African-American, 0.0027%; no homozygotes.

Submission:

Labcorp Genetics (formerly Invitae), Labcorp
Classification: Uncertain significance. Last evaluated: 2022-04-18. Review status: criteria provided, single submitter. Criteria: Invitae Variant Classification Sherloc (09022015). Collection method: clinical testing. Allele origin: germline.
Comment: This sequence change replaces asparagine, which is neutral and polar, with serine, which is neutral and polar, at codon 411 of the HPS5 protein (p.Asn411Ser). This variant is present in population databases (no rsID available, gnomAD 0.0009%). This variant has not been reported in the literature in individuals affected with HPS5-related conditions. Algorithms developed to predict the effect of missense changes on protein structure and function output the following: SIFT: "Tolerated"; PolyPhen-2: "Benign"; Align-GVGD: "Class C0". The serine amino acid residue is found in multiple mammalian species, which suggests that this missense change does not adversely affect protein function. In summary, the available evidence is currently insufficient to determine the role of this variant in disease. Therefore, it has been classified as a Variant of Uncertain Significance.